The following is an entry in ClinVar:

ClinVar aggregate classification (germline): Uncertain significance (1 of 4 stars; one submission).

Conditions:
Cardiovascular phenotype. Identifiers: MedGen CN230736.

Submission:

Ambry Genetics
Classification: Uncertain significance for Cardiovascular phenotype. Last evaluated: 2025-05-03. Review status: criteria provided, single submitter. Criteria: Ambry Variant Classification Scheme 2023. Collection method: clinical testing. Allele origin: germline.
Comment: The p.W32S variant (also known as c.95G>C), located in coding exon 2 of the EPHB4 gene, results from a G to C substitution at nucleotide position 95. The tryptophan at codon 32 is replaced by serine, an amino acid with highly dissimilar properties. This amino acid position is conserved. In addition, this alteration is predicted to be deleterious by in silico analysis. Based on the available evidence, the clinical significance of this variant remains unclear.

NM_004444.5(EPHB4):c.95G>C (p.Trp32Ser)

Gene: EPHB4 (EPH receptor B4; minus strand). Cytogenetic location: 7q22.1.
Variant type: single nucleotide variant.
Coding change: c.95G>C on transcript NM_004444.5 (MANE Select); coding-DNA position 95, G replaced by C.
Protein change: p.Trp32Ser; replaces tryptophan 32 with serine.
Molecular consequence: missense variant.
Genome position (GRCh38, 1-based): chr7:100,824,231, C>G on the plus strand (G>C on the coding strand, the complement: EPHB4 is on the minus strand). VCF-style: chr7-100824231-C-G. GRCh37 (hg19) VCF-style: chr7-100421853-C-G.
Other names: short protein forms W32S.
Identifiers: ClinVar variation 4018807 (VCV004018807.1).
Genomic context (GRCh38, chr7:100,824,231, plus strand): 5'-CCAGAGCTCCAGCTCCTGGGTGCAGCTCTCACCTGCCCGTCCACCTGAGGGAATGTCACC[C>G]ACTTCAGATCAGCAGTTTCCAATTTTGTGTTCAGCAGGGTCTCTGAGACAGACAGAGAGA-3'
Protein context (NP_004435.3, residues 22-42): NTKLETADLK[Trp32Ser]VTFPQVDGQW